The following is an entry in ClinVar:

ClinVar aggregate classification (germline): Likely pathogenic (1 of 4 stars; one submission).

Submission:

GeneDx
Classification: Likely pathogenic. Last evaluated: 2022-05-04. Review status: criteria provided, single submitter. Criteria: GeneDx Variant Classification Process June 2021. Collection method: clinical testing. Allele origin: germline. Affected: yes.
Comment: Frameshift variant predicted to result in protein truncation or nonsense mediated decay in a gene for which loss of function is a known mechanism of disease; Not observed at significant frequency in large population cohorts (gnomAD); Has not been previously published as pathogenic or benign to our knowledge

NM_001114753.3(ENG):c.583del (p.Glu195fs)

Gene: ENG (endoglin; minus strand). Cytogenetic location: 9q34.11.
Variant type: Deletion.
Coding change: c.583del on transcript NM_001114753.3 (MANE Select); coding-DNA position 583, one base deleted (G; older notation c.583delG).
Protein change: p.Glu195fs; shifts the reading frame from glutamic acid 195.
Molecular consequence: frameshift variant.
Genome position (GRCh38, 1-based): chr9:127,825,801, C deleted on the plus strand (G on the coding strand, the reverse complement: ENG is on the minus strand). VCF-style (leftmost placement, unchanged base first): chr9-127825800-TC-T. GRCh37 (hg19) VCF-style: chr9-130588079-TC-T.
Other names: c.583delG, p.Glu195Serfs (NM_000118.4, NM_001406715.1); c.37del, p.Glu13fs (NM_001278138.2); c.583delG (NM_000118.2); short protein forms E13fs, E195fs.
Identifiers: ClinVar variation 524060 (VCV000524060.5), dbSNP rs1554810413, ClinGen allele CA658797294.